The following is an entry in ClinVar:

NM_006446.5(SLCO1B1):c.496T>C (p.Ser166Pro)

Gene: SLCO1B1 (solute carrier organic anion transporter family member 1B1; plus strand). Cytogenetic location: 12p12.1.
Variant type: single nucleotide variant.
Coding change: c.496T>C on transcript NM_006446.5 (MANE Select); coding-DNA position 496, T replaced by C.
Protein change: p.Ser166Pro; replaces serine 166 with proline.
Molecular consequence: missense variant.
Genome position (GRCh38, 1-based): chr12:21,178,590, T>C. VCF-style: chr12-21178590-T-C. GRCh37 (hg19) VCF-style: chr12-21331524-T-C.
Other names: short protein forms S166P.
Identifiers: ClinVar variation 1744463 (VCV001744463.2), dbSNP rs751041337, ClinGen allele CA233562211.

ClinVar aggregate classification (germline): Uncertain significance (1 of 4 stars; one submission).

Conditions:
Cardiovascular phenotype. Identifiers: MedGen CN230736.

Allele frequency attached by ClinVar (database versions not stated): gnomAD exomes below 0.00001; TOPMed below 0.00001.
gnomAD v4.1: 1 of 1,607,108 alleles (0.000062%); highest among the groups gnomAD compares: Non-Finnish European, 0.000085%; no homozygotes.

Submission:

Ambry Genetics
Classification: Uncertain significance for Cardiovascular phenotype. Last evaluated: 2022-07-03. Review status: criteria provided, single submitter. Criteria: Ambry Variant Classification Scheme 2023. Collection method: clinical testing. Allele origin: germline.
Comment: The p.S166P variant (also known as c.496T>C), located in coding exon 5 of the SLCO1B1 gene, results from a T to C substitution at nucleotide position 496. The serine at codon 166 is replaced by proline, an amino acid with similar properties. This amino acid position is conserved. In addition, this alteration is predicted to be tolerated by in silico analysis. Since supporting evidence is limited at this time, the clinical significance of this alteration remains unclear.